The following is an entry in ClinVar:

NM_001267550.2(TTN):c.63241A>T (p.Ile21081Leu)

Genes: TTN (titin; minus strand), TTN-AS1 (TTN antisense RNA 1; plus strand). Cytogenetic location: 2q31.2.
Variant type: single nucleotide variant.
Coding change: c.63241A>T on transcript NM_001267550.2 (MANE Select); coding-DNA position 63241, A replaced by T.
Protein change: p.Ile21081Leu; replaces isoleucine 21081 with leucine.
Molecular consequence: missense variant.
Genome position (GRCh38, 1-based): chr2:178,588,166, T>A on the plus strand (A>T on the coding strand, the complement: TTN is on the minus strand). VCF-style: chr2-178588166-T-A. GRCh37 (hg19) VCF-style: chr2-179452893-T-A.
Other names: c.58318A>T, p.Ile19440Leu (NM_001256850.1); c.36046A>T, p.Ile12016Leu (NM_003319.4); c.36421A>T, p.Ile12141Leu (NM_133432.3); c.36622A>T, p.Ile12208Leu (NM_133437.4); c.55537A>T, p.Ile18513Leu (NM_133378.4); short protein forms I18513L, I21081L, I12016L, I12141L, I12208L, I19440L.
Identifiers: ClinVar variation 229485 (VCV000229485.5), dbSNP rs876658074, ClinGen allele CA10576499.

ClinVar aggregate classification (germline): Uncertain significance (1 of 4 stars; one submission).

Submission:

Laboratory for Molecular Medicine, Mass General Brigham Personalized Medicine
Classification: Uncertain significance. Last evaluated: 2015-07-23. Review status: criteria provided, single submitter. Criteria: LMM Criteria. Collection method: clinical testing. Allele origin: germline. Observed: 1 variant allele.
Comment: Variant classified as Uncertain Significance - Favor Benign. The p.Ile18513Leu v ariant in TTN has not been previously reported in individuals with cardiomyopath y or in large population studies. Isoleucine (Ile) at position 18513 is conserve d in mammals, but not in evolutionarily distant species and 5 birds and 1 reptil e having a leucine (Leu) at this position, raising the suspicion that this chang e may be tolerated. Additional computational prediction tools do not provide str ong support for or against an impact to the protein. In summary, while the clini cal significance of the p.Ile18513Leu variant is uncertain, the presence of the variant amino acid in other species suggests that it is more likely to be benign .